The following is an entry in ClinVar:

NM_000238.4(KCNH2):c.2648G>A (p.Arg883Gln)

Gene: KCNH2 (potassium voltage-gated channel subfamily H member 2; minus strand). Cytogenetic location: 7q36.1.
Variant type: single nucleotide variant.
Coding change: c.2648G>A on transcript NM_000238.4 (MANE Select); coding-DNA position 2648, G replaced by A.
Protein change: p.Arg883Gln; replaces arginine 883 with glutamine.
Molecular consequence: missense variant.
Genome position (GRCh38, 1-based): chr7:150,948,488, C>T on the plus strand (G>A on the coding strand, the complement: KCNH2 is on the minus strand). VCF-style: chr7-150948488-C-T. GRCh37 (hg19) VCF-style: chr7-150645576-C-T.
Other names: c.1628G>A, p.Arg543Gln (NM_172057.3); short protein forms R543Q, R883Q.
Identifiers: ClinVar variation 1171663 (VCV001171663.15), dbSNP rs748821862, ClinGen allele CA033600.

ClinVar aggregate classification (germline): Uncertain significance. Review status: criteria provided, multiple submitters, no conflicts (2 of 4 stars). 3 submissions from 3 submitters: Uncertain significance (3). Last evaluated 2025-12-31.

Conditions:
Cardiovascular phenotype. Identifiers: MedGen CN230736.
Cardiac arrhythmia. Also called: Cardiac rhythm disease; Arrhythmia. Identifiers: MedGen C0003811, MONDO:0007263, HP:0011675.
Long QT syndrome (LQTS). Identifiers: MedGen C0023976, MeSH D008133, MONDO:0002442. Disease mechanism: loss of function. Inheritance: Various modes of inheritance.

Allele frequency attached by ClinVar (database versions not stated): TOPMed below 0.00001; gnomAD exomes 0.00002; ExAC 0.00004.
gnomAD v4.1: 24 of 1,613,000 alleles (0.0015%); highest among the groups gnomAD compares: South Asian, 0.014%; 1 homozygote.

Submissions (3):

Labcorp Genetics (formerly Invitae), Labcorp
Classification: Uncertain significance for Long QT syndrome. Last evaluated: 2025-12-31. Review status: criteria provided, single submitter. Criteria: Invitae Variant Classification Sherloc (09022015). Collection method: clinical testing. Allele origin: germline.
Comment: This sequence change replaces arginine, which is basic and polar, with glutamine, which is neutral and polar, at codon 883 of the KCNH2 protein (p.Arg883Gln). This variant is present in population databases (rs748821862, gnomAD 0.02%). This missense change has been observed in individual(s) with long QT syndrome (PMID: 26669661). ClinVar contains an entry for this variant (Variation ID: 1171663). An algorithm developed to predict the effect of missense changes on protein structure and function (PolyPhen-2) suggests that this variant is likely to be tolerated. In summary, the available evidence is currently insufficient to determine the role of this variant in disease. Therefore, it has been classified as a Variant of Uncertain Significance.

Color Diagnostics, LLC DBA Color Health
Classification: Uncertain significance for Cardiac arrhythmia. Last evaluated: 2023-09-20. Review status: criteria provided, single submitter. Criteria: ACMG Guidelines, 2015. Collection method: clinical testing. Allele origin: germline.
Comment: This missense variant replaces arginine with glutamine at codon 883 of the KCNH2 protein. Computational prediction is inconclusive regarding the impact of this variant on protein structure and function (internally defined REVEL score threshold 0.5 < inconclusive < 0.7, PMID: 27666373). To our knowledge, functional studies have not been reported for this variant. This variant has been reported in at least one individual affected with long QT syndrome (PMID: 26669661, 32893267). This variant has been identified in 6/249884 chromosomes in the general population by the Genome Aggregation Database (gnomAD). The available evidence is insufficient to determine the role of this variant in disease conclusively. Therefore, this variant is classified as a Variant of Uncertain Significance.

Ambry Genetics
Classification: Uncertain significance for Cardiovascular phenotype. Last evaluated: 2020-11-17. Review status: criteria provided, single submitter. Criteria: Ambry Variant Classification Scheme 2023. Collection method: clinical testing. Allele origin: germline.
Comment: The p.R883Q variant (also known as c.2648G>A), located in coding exon 11 of the KCNH2 gene, results from a G to A substitution at nucleotide position 2648. The arginine at codon 883 is replaced by glutamine, an amino acid with highly similar properties, and is located in the cytoplasmic C-terminal region of the protein. This variant has been detected in a family from a long QT syndrome cohort; however, clinical details were limited (Itoh H et al. Eur J Hum Genet, 2016 08;24:1160-6). This amino acid position is not well conserved in available vertebrate species. In addition, the in silico prediction for this alteration is inconclusive. Since supporting evidence is limited at this time, the clinical significance of this alteration remains unclear.

Literature cited by the submitters: PubMed 26669661 (cited by 3 submitters); PubMed 32893267 (cited by Color Diagnostics, LLC DBA Color Health).